The following is an entry in ClinVar:

NM_005618.4(DLL1):c.1805T>G (p.Ile602Ser)

Gene: DLL1 (delta like canonical Notch ligand 1; minus strand). Cytogenetic location: 6q27.
Variant type: single nucleotide variant.
Coding change: c.1805T>G on transcript NM_005618.4 (MANE Select); coding-DNA position 1805, T replaced by G.
Protein change: p.Ile602Ser; replaces isoleucine 602 with serine.
Molecular consequence: missense variant.
Genome position (GRCh38, 1-based): chr6:170,283,474, A>C on the plus strand (T>G on the coding strand, the complement: DLL1 is on the minus strand). VCF-style: chr6-170283474-A-C. GRCh37 (hg19) VCF-style: chr6-170592562-A-C.
Other names: short protein forms I602S.
Identifiers: ClinVar variation 4869833 (VCV004869833.1).

ClinVar aggregate classification (germline): Uncertain significance (1 of 4 stars; one submission).

Conditions:
Inborn genetic diseases. Identifiers: MedGen C0950123, MeSH D030342.

Submission:

Ambry Genetics
Classification: Uncertain significance for Inborn genetic diseases. Last evaluated: 2026-03-27. Review status: criteria provided, single submitter. Criteria: Ambry Variant Classification Scheme 2023. Collection method: clinical testing. Allele origin: germline.
Comment: The c.1805T>G (p.I602S) alteration is located in exon 9 (coding exon 9) of the DLL1 gene. This alteration results from a T to G substitution at nucleotide position 1805, causing the isoleucine (I) at amino acid position 602 to be replaced by a serine (S). Based on data from gnomAD, the G allele has an overall frequency of <0.001% (1/250648) total alleles studied. The highest observed frequency was 0.001% (1/113630) of European (non-Finnish) alleles. Based on insufficient or conflicting evidence, the clinical significance of this alteration remains unclear.